The following is an entry in ClinVar:

ClinVar aggregate classification (germline): Uncertain significance (1 of 4 stars; one submission).

Conditions:
PLXNA4-related disorder. Also called: PLXNA4-related condition.

gnomAD v4.1: 3 of 1,613,748 alleles (0.00019%); highest among the groups gnomAD compares: African/African-American, 0.0027%; no homozygotes.

Submission:

PreventionGenetics, part of Exact Sciences
Classification: Uncertain significance for PLXNA4-related condition. Last evaluated: 2026-08-13. Review status: criteria provided, single submitter. Criteria: ACMG Guidelines, 2015. Collection method: clinical testing. Allele origin: germline.
Comment: The PLXNA4 c.2772C>A variant is predicted to result in the amino acid substitution p.Ser924Arg. To our knowledge, this variant has not been reported in the literature. This variant is reported in 0.034% of alleles in individuals of African descent in gnomAD. At this time, the clinical significance of this variant is uncertain due to the absence of conclusive functional and genetic evidence.

NM_020911.2(PLXNA4):c.2772C>A (p.Ser924Arg)

Gene: PLXNA4 (plexin A4; minus strand). Cytogenetic location: 7q32.3.
Variant type: single nucleotide variant.
Coding change: c.2772C>A on transcript NM_020911.2 (MANE Select); coding-DNA position 2772, C replaced by A.
Protein change: p.Ser924Arg; replaces serine 924 with arginine.
Molecular consequence: missense variant.
Genome position (GRCh38, 1-based): chr7:132,194,146, G>T on the plus strand (C>A on the coding strand, the complement: PLXNA4 is on the minus strand). VCF-style: chr7-132194146-G-T. GRCh37 (hg19) VCF-style: chr7-131878905-G-T.
Other names: c.2772C>A, p.Ser924Arg (NM_001393897.1); short protein forms S924R.
Identifiers: ClinVar variation 4992812 (VCV004992812.1).
Genomic context (GRCh38, chr7:132,194,146, plus strand): 5'-CCGGGCCATGAATTCAGGCCGACACACAGCCACGCAGATCTCCACGAAGCCTGCATGCTG[G>T]CTGGGCTTGGCCTCCCCCATCTCACACACGATCCTGCAGGGAGGATAGGAGAAATCCCAT-3'
Protein context (NP_065962.1, residues 914-934): IVCEMGEAKP[Ser924Arg]QHAGFVEICV